The following is an entry in ClinVar:

ClinVar aggregate classification (germline): Likely benign (1 of 4 stars; one submission).

Conditions:
Noonan syndrome 6 (NS6). Also called: NRAS-Related Noonan Syndrome. Identifiers: Orphanet 648, MedGen C2750732, MONDO:0013186, OMIM 613224.

Allele frequency attached by ClinVar (database versions not stated): 1000 Genomes Project 30x 0.00437; 1000 Genomes Project 0.00439; gnomAD 0.00525 and 0.00568; TOPMed 0.00581.

Submission:

Illumina Laboratory Services, Illumina
Classification: Likely benign for Noonan syndrome 6. Last evaluated: 2018-01-13. Review status: criteria provided, single submitter. Criteria: ICSL Variant Classification Criteria 13 December 2019. Collection method: clinical testing. Allele origin: germline.
Comment: This variant was observed in the ICSL laboratory as part of a predisposition screen in an ostensibly healthy population. It had not been previously curated by ICSL or reported in the Human Gene Mutation Database (HGMD: prior to June 1st, 2018), and was therefore a candidate for classification through an automated scoring system. Utilizing variant allele frequency, disease prevalence and penetrance estimates, and inheritance mode, an automated score was calculated to assess if this variant is too frequent to cause the disease. Based on the score and internal cut-off values, a variant classified as likely benign is not then subjected to further curation. The score for this variant resulted in a classification of likely benign for this disease.

NM_002524.5(NRAS):c.*3499C>T

Gene: NRAS (NRAS proto-oncogene, GTPase; minus strand). Cytogenetic location: 1p13.2.
Variant type: single nucleotide variant.
Coding change: c.*3499C>T on transcript NM_002524.5 (MANE Select); 3499 bases downstream of the stop codon, C replaced by T.
Molecular consequence: 3 prime UTR variant.
Genome position (GRCh38, 1-based): chr1:114,704,595, G>A on the plus strand (C>T on the coding strand, the complement: NRAS is on the minus strand). VCF-style: chr1-114704595-G-A. GRCh37 (hg19) VCF-style: chr1-115247216-G-A.
Identifiers: ClinVar variation 291939 (VCV000291939.5), dbSNP rs147926293, ClinGen allele CA10607567.